The following is an entry in ClinVar:

ClinVar aggregate classification (germline): Pathogenic/Likely pathogenic. Review status: criteria provided, multiple submitters, no conflicts (2 of 4 stars). 3 submissions from 3 submitters: Pathogenic (1); Likely pathogenic (2). Last evaluated 2024-05-29.

Conditions:
Testosterone 17-beta-dehydrogenase deficiency. Also called: 17-beta hydroxysteroid dehydrogenase 3 deficiency; 46,XY disorder of sex development due to 17-beta-hydroxysteroid dehydrogenase 3 deficiency; Pseudohermaphroditism male with gynecomastia; 17 alpha ketosteroid reductase deficiency of testis; 17 alpha KSR deficiency; Neutral 17 beta hydroxysteroid oxidoreductase deficiency. Identifiers: Orphanet 752, MedGen C0268296, MONDO:0009916, OMIM 264300. Disease mechanism: loss of function.

Allele frequency attached by ClinVar (database versions not stated): TOPMed 0.00003.
gnomAD v4.1: 27 of 1,613,840 alleles (0.0017%); highest among the groups gnomAD compares: Non-Finnish European, 0.0022%; no homozygotes.

Submissions (3):

Labcorp Genetics (formerly Invitae), Labcorp
Classification: Pathogenic. Last evaluated: 2024-05-29. Review status: criteria provided, single submitter. Criteria: Invitae Variant Classification Sherloc (09022015). Collection method: clinical testing. Allele origin: germline.
Comment: This sequence change replaces asparagine, which is neutral and polar, with threonine, which is neutral and polar, at codon 74 of the HSD17B3 protein (p.Asn74Thr). This variant is present in population databases (rs780178733, gnomAD 0.003%). This missense change has been observed in individuals with 17-beta-hydroxysteroid dehydrogenase type 3 deficiency (PMID: 10599740). ClinVar contains an entry for this variant (Variation ID: 435473). Advanced modeling of protein sequence and biophysical properties (such as structural, functional, and spatial information, amino acid conservation, physicochemical variation, residue mobility, and thermodynamic stability) performed at Invitae indicates that this missense variant is expected to disrupt HSD17B3 protein function with a positive predictive value of 80%. Experimental studies have shown that this missense change affects HSD17B3 function (PMID: 31614207). For these reasons, this variant has been classified as Pathogenic.

Fulgent Genetics
Classification: Likely pathogenic for Testosterone 17-beta-dehydrogenase deficiency. Last evaluated: 2021-08-12. Review status: criteria provided, single submitter. Criteria: ACMG Guidelines, 2015. Collection method: clinical testing. Allele origin: unknown.

Genetic Services Laboratory, University of Chicago
Classification: Likely pathogenic for Pseudohermaphroditism, male, with gynecomastia. Last evaluated: 2016-09-02. Review status: criteria provided, single submitter. Criteria: ACMG Guidelines, 2015. Collection method: clinical testing. Allele origin: germline. Affected: yes.

Literature cited by the submitters: PubMed 10599740 (cited by Labcorp Genetics (formerly Invitae), Labcorp); PubMed 31614207 (cited by Labcorp Genetics (formerly Invitae), Labcorp).

NM_000197.2(HSD17B3):c.221A>C (p.Asn74Thr)

Genes: HSD17B3 (hydroxysteroid 17-beta dehydrogenase 3; minus strand), SLC35D2-HSD17B3 (SLC35D2-HSD17B3 readthrough; minus strand). Cytogenetic location: 9q22.32.
Variant type: single nucleotide variant.
Coding change: c.221A>C on transcript NM_000197.2 (MANE Select); coding-DNA position 221, A replaced by C.
Protein change: p.Asn74Thr; replaces asparagine 74 with threonine.
Molecular consequence: missense variant.
Genome position (GRCh38, 1-based): chr9:96,254,924, T>G on the plus strand (A>C on the coding strand, the complement: HSD17B3 is on the minus strand). VCF-style: chr9-96254924-T-G. GRCh37 (hg19) VCF-style: chr9-99017206-T-G.
Other names: short protein forms N74T.
Identifiers: ClinVar variation 435473 (VCV000435473.12), dbSNP rs780178733, ClinGen allele CA5140489.
Genomic context (GRCh38, chr9:96,254,924, plus strand): 5'-TCACCGATCTCTGTGGCAATGGCCTCTAGTTTTTCCAGCGTCCGGCTAATAAGGACAACA[T>G]TGAGTCCACGTTTTGCTAGCTGAGAGTGGGAGTGAAAAACCAAGAGACAAGGATGATGAG-3'
Protein context (NP_000188.1, residues 64-84): YSFELAKRGL[Asn74Thr]VVLISRTLEK